The following is an entry in ClinVar:

ClinVar aggregate classification (germline): Uncertain significance (1 of 4 stars; one submission).

Submission:

Mayo Clinic Laboratories, Mayo Clinic
Classification: Uncertain significance. Last evaluated: 2024-06-06. Review status: criteria provided, single submitter. Criteria: ACMG Guidelines, 2015. Collection method: clinical testing. Allele origin: germline. Observed: 1 variant allele.
Comment: BP4

NM_017686.4(GDAP2):c.481A>G (p.Met161Val)

Gene: GDAP2 (ganglioside induced differentiation associated protein 2; minus strand). Cytogenetic location: 1p12.
Variant type: single nucleotide variant.
Coding change: c.481A>G on transcript NM_017686.4 (MANE Select); coding-DNA position 481, A replaced by G.
Protein change: p.Met161Val; replaces methionine 161 with valine.
Molecular consequence: missense variant.
Genome position (GRCh38, 1-based): chr1:117,912,072, T>C on the plus strand (A>G on the coding strand, the complement: GDAP2 is on the minus strand). VCF-style: chr1-117912072-T-C. GRCh37 (hg19) VCF-style: chr1-118454694-T-C.
Other names: p.Met161Val; c.481A>G, p.Met161Val (NM_001135589.3); short protein forms M161V.
Identifiers: ClinVar variation 3379841 (VCV003379841.1).